The following is an entry in ClinVar:

NM_031483.7(ITCH):c.1952+3_1952+6del

Gene: ITCH (itchy E3 ubiquitin protein ligase; plus strand). Cytogenetic location: 20q11.22.
Variant type: Microsatellite.
Coding change: c.1952+3_1952+6del on transcript NM_031483.7 (MANE Select); bases 3 to 6 of the intron after coding-DNA position 1952, 4 bases deleted (AAGT; older notation c.1952+3_1952+6delAAGT).
Molecular consequence: splice donor variant.
Genome position (GRCh38, 1-based): chr20:34,480,735-34,480,738, AAGT deleted; deleting any 4 consecutive bases within chr20:34,480,730-34,480,738 gives the same sequence; the c. name uses the placement nearest the transcript's 3' end. VCF-style (leftmost placement, unchanged base first): chr20-34480729-TTAAG-T. GRCh37 (hg19) VCF-style: chr20-33068534-TTAAG-T.
Other names: c.2075+3_2075+6del (NM_001324197.2, NM_001257137.3); c.1952+3_1952+6del (NM_001324198.2); c.1622+3_1622+6del (NM_001257138.3).
Identifiers: ClinVar variation 930463 (VCV000930463.3), dbSNP rs1988672290, ClinGen allele CA1139666682.

ClinVar aggregate classification (germline): Likely pathogenic (1 of 4 stars; one submission).

Conditions:
Syndromic multisystem autoimmune disease due to ITCH deficiency. Also called: AUTOIMMUNE DISEASE, MULTISYSTEM, WITH FACIAL DYSMORPHISM. Identifiers: Orphanet 228426, MedGen C3150649, MONDO:0013245, OMIM 613385.

Submission:

Centre for Mendelian Genomics, University Medical Centre Ljubljana
Classification: Likely pathogenic for Syndromic multisystem autoimmune disease due to ITCH deficiency. Last evaluated: 2019-04-25. Review status: criteria provided, single submitter. Criteria: ACMG Guidelines, 2015. Collection method: clinical testing. Allele origin: unknown. Affected: yes.
Comment: This variant was classified as: Likely pathogenic. The following ACMG criteria were applied in classifying this variant: PVS1,PM2.